The following is an entry in ClinVar:

NM_176824.3(BBS7):c.511G>C (p.Val171Leu)

Gene: BBS7 (Bardet-Biedl syndrome 7; minus strand). Cytogenetic location: 4q27.
Variant type: single nucleotide variant.
Coding change: c.511G>C on transcript NM_176824.3 (MANE Select); coding-DNA position 511, G replaced by C.
Protein change: p.Val171Leu; replaces valine 171 with leucine.
Molecular consequence: missense variant.
Genome position (GRCh38, 1-based): chr4:121,859,009, C>G on the plus strand (G>C on the coding strand, the complement: BBS7 is on the minus strand). VCF-style: chr4-121859009-C-G. GRCh37 (hg19) VCF-style: chr4-122780164-C-G.
Other names: c.511G>C, p.Val171Leu (NM_018190.4); short protein forms V171L.
Identifiers: ClinVar variation 2152174 (VCV002152174.1), dbSNP rs377607757, ClinGen allele CA3064498.

ClinVar aggregate classification (germline): Uncertain significance (1 of 4 stars; one submission).

Conditions:
Bardet-Biedl syndrome (BBS). Identifiers: Orphanet 110, MedGen C0752166, MONDO:0015229.

Allele frequency attached by ClinVar (database versions not stated): TOPMed 0.00003; gnomAD 0.00005; ESP Exome Variant Server 0.00008.
gnomAD v4.1: 8 of 1,613,694 alleles (0.0005%); highest among the groups gnomAD compares: African/African-American, 0.011%; no homozygotes.

Submission:

Labcorp Genetics (formerly Invitae), Labcorp
Classification: Uncertain significance for Bardet-Biedl syndrome. Last evaluated: 2022-06-28. Review status: criteria provided, single submitter. Criteria: Invitae Variant Classification Sherloc (09022015). Collection method: clinical testing. Allele origin: germline.
Comment: This sequence change replaces valine, which is neutral and non-polar, with leucine, which is neutral and non-polar, at codon 171 of the BBS7 protein (p.Val171Leu). This variant is present in population databases (rs377607757, gnomAD 0.02%). This variant has not been reported in the literature in individuals affected with BBS7-related conditions. Algorithms developed to predict the effect of missense changes on protein structure and function output the following: SIFT: "Tolerated"; PolyPhen-2: "Benign"; Align-GVGD: "Class C0". The leucine amino acid residue is found in multiple mammalian species, which suggests that this missense change does not adversely affect protein function. In summary, the available evidence is currently insufficient to determine the role of this variant in disease. Therefore, it has been classified as a Variant of Uncertain Significance.